The following is an entry in ClinVar:

ClinVar aggregate classification (germline): Uncertain significance. Review status: criteria provided, multiple submitters, no conflicts (2 of 4 stars). 2 submissions from 2 submitters: Uncertain significance (2). Last evaluated 2020-12-08.

Conditions:
Cardiomyopathy (CMYO). Also called: Cardiomyopathies. Identifiers: Orphanet 167848, MedGen C0878544, MONDO:0004994, HP:0001638. Inheritance: Various modes of inheritance.
Cardiovascular phenotype. Identifiers: MedGen CN230736.

Submissions (2):

Color Diagnostics, LLC DBA Color Health
Classification: Uncertain significance for Cardiomyopathy. Last evaluated: 2020-12-08. Review status: criteria provided, single submitter. Criteria: ACMG Guidelines, 2015. Collection method: clinical testing. Allele origin: germline.
Comment: This variant alters the canonical splice acceptor site in intron 13 of the MYH7 gene. Splice prediction tools suggest that this variant may disrupt RNA splicing. To our knowledge, functional studies have not been reported for this variant. This variant has not been reported in individuals affected with cardiovascular disorders in the literature. This variant has not been identified in the general population by the Genome Aggregation Database (gnomAD). Clinical relevance of loss-of-function MYH7 truncation variants in autosomal dominant cardiovascular disorders is not clearly established. The available evidence is insufficient to determine the role of this variant in disease conclusively. Therefore, this variant is classified as a Variant of Uncertain Significance.

Ambry Genetics
Classification: Uncertain significance for Cardiovascular phenotype. Last evaluated: 2018-11-20. Review status: criteria provided, single submitter. Criteria: Ambry Variant Classification Scheme 2023. Collection method: clinical testing. Allele origin: germline.
Comment: The c.1258-3_1258-2delCAinsAT intronic variant, located in intron 11 of the MYH7 gene, results from an in-frame from the deletion of two nucleotides and the insertion of two nucleotides at nucleotide position 1258-3 to 1258-2. The nucleotide positions are well conserved in available vertebrate species. Using the BDGP and ESEfinder splice site prediction tools, this alteration is predicted to abolish the native splice acceptor site; however, direct evidence is unavailable. Alterations that disrupt the canonical splice site are expected to cause aberrant splicing, resulting in an abnormal protein or a transcript that is subject to nonsense-mediated mRNA decay. However, loss of function of MYH7 has not been clearly established as a mechanism of disease. Since supporting evidence is limited at this time, the clinical significance of this alteration remains unclear.

NM_000257.4(MYH7):c.1258-3_1258-2delinsAT

Gene: MYH7 (myosin heavy chain 7; minus strand). Cytogenetic location: 14q11.2.
Variant type: Indel.
Coding change: c.1258-3_1258-2delinsAT on transcript NM_000257.4 (MANE Select); 3 bases into the intron before coding-DNA position 1258 through the canonical splice acceptor site of the intron before coding-DNA position 1258, CA replaced by AT.
Molecular consequence: splice acceptor variant.
Genome position (GRCh38, 1-based): chr14:23,429,106-23,429,107, TG replaced by AT on the plus strand (CA replaced by AT on the coding strand, the reverse complement: MYH7 is on the minus strand). VCF-style: chr14-23429106-TG-AT. GRCh37 (hg19) VCF-style: chr14-23898315-TG-AT.
Other names: c.1258-3_1258-2delCAinsAT (LRG_384t1, NM_000257.4).
Identifiers: ClinVar variation 520365 (VCV000520365.7), dbSNP rs1555338344, ClinGen allele CA658798174.